The following is an entry in ClinVar:

NM_033004.4(NLRP1):c.4416C>G (p.Ser1472Arg)

Gene: NLRP1 (NLR family pyrin domain containing 1; minus strand). Cytogenetic location: 17p13.2.
Variant type: single nucleotide variant.
Coding change: c.4416C>G on transcript NM_033004.4 (MANE Select); coding-DNA position 4416, C replaced by G.
Protein change: p.Ser1472Arg; replaces serine 1472 with arginine.
Molecular consequence: missense variant. On other transcripts: intron variant (1).
Genome position (GRCh38, 1-based): chr17:5,514,760, G>C on the plus strand (C>G on the coding strand, the complement: NLRP1 is on the minus strand). VCF-style: chr17-5514760-G-C. GRCh37 (hg19) VCF-style: chr17-5418080-G-C.
Other names: c.4284C>G, p.Ser1428Arg (NM_014922.5); c.4326C>G, p.Ser1442Arg (NM_033006.4); c.4194C>G, p.Ser1398Arg (NM_033007.4); c.4069+2986C>G (NM_001033053.3); short protein forms S1428R, S1442R, S1472R, S1398R.
Identifiers: ClinVar variation 2108879 (VCV002108879.4), dbSNP rs2507691706, ClinGen allele CA397386078.

ClinVar aggregate classification (germline): Uncertain significance (1 of 4 stars; one submission).

Submission:

Labcorp Genetics (formerly Invitae), Labcorp
Classification: Uncertain significance. Last evaluated: 2022-03-11. Review status: criteria provided, single submitter. Criteria: Invitae Variant Classification Sherloc (09022015). Collection method: clinical testing. Allele origin: germline.
Comment: In summary, the available evidence is currently insufficient to determine the role of this variant in disease. Therefore, it has been classified as a Variant of Uncertain Significance. Algorithms developed to predict the effect of missense changes on protein structure and function output the following: SIFT: "Tolerated"; PolyPhen-2: "Benign"; Align-GVGD: "Class C0". The arginine amino acid residue is found in multiple mammalian species, which suggests that this missense change does not adversely affect protein function. This variant has not been reported in the literature in individuals affected with NLRP1-related conditions. This variant is not present in population databases (gnomAD no frequency). This sequence change replaces serine, which is neutral and polar, with arginine, which is basic and polar, at codon 1472 of the NLRP1 protein (p.Ser1472Arg).